The following is an entry in ClinVar:

ClinVar aggregate classification (germline): Uncertain significance (1 of 4 stars; one submission).

Allele frequency attached by ClinVar (database versions not stated): ExAC 0.00003; gnomAD 0.00003 and 0.00004; gnomAD exomes 0.00003; TOPMed 0.00004; ESP Exome Variant Server 0.00008.
gnomAD v4.1: 47 of 1,613,650 alleles (0.0029%); highest among the groups gnomAD compares: Middle Eastern, 0.099%; no homozygotes.

Submission:

Labcorp Genetics (formerly Invitae), Labcorp
Classification: Uncertain significance. Last evaluated: 2022-09-14. Review status: criteria provided, single submitter. Criteria: Invitae Variant Classification Sherloc (09022015). Collection method: clinical testing. Allele origin: germline.
Comment: This sequence change falls in intron 16 of the NBAS gene. It does not directly change the encoded amino acid sequence of the NBAS protein. It affects a nucleotide within the consensus splice site. This variant is present in population databases (rs377306349, gnomAD 0.01%). This variant has not been reported in the literature in individuals affected with NBAS-related conditions. ClinVar contains an entry for this variant (Variation ID: 1480814). Variants that disrupt the consensus splice site are a relatively common cause of aberrant splicing (PMID: 17576681, 9536098). Algorithms developed to predict the effect of sequence changes on RNA splicing suggest that this variant may disrupt the consensus splice site. In summary, the available evidence is currently insufficient to determine the role of this variant in disease. Therefore, it has been classified as a Variant of Uncertain Significance.

Literature cited by the submitters: PubMed 17576681; PubMed 9536098.

NM_015909.4(NBAS):c.1725+3A>G

Gene: NBAS (NBAS subunit of NRZ tethering complex; minus strand). Cytogenetic location: 2p24.3.
Variant type: single nucleotide variant.
Coding change: c.1725+3A>G on transcript NM_015909.4 (MANE Select); 3 bases into the intron after coding-DNA position 1725, A replaced by G.
Molecular consequence: intron variant.
Genome position (GRCh38, 1-based): chr2:15,473,219, T>C on the plus strand (A>G on the coding strand, the complement: NBAS is on the minus strand). VCF-style: chr2-15473219-T-C. GRCh37 (hg19) VCF-style: chr2-15613343-T-C.
Identifiers: ClinVar variation 1480814 (VCV001480814.3), dbSNP rs377306349, ClinGen allele CA1536587.
Genomic context (GRCh38, chr2:15,473,219, plus strand): 5'-CTATAAACAAAAGATATTACATGAATATACATTTTACCACATTACCAAAATATTTAAACA[T>C]ACCAAATAATTCTGAATTGAAGCAACGTTGACCGCTGACTTCCTCCACTGCCTCTGATAT-3'